The following is an entry in ClinVar:

ClinVar aggregate classification (germline): Benign/Likely benign. Review status: criteria provided, multiple submitters, no conflicts (2 of 4 stars). 2 submissions from 2 submitters: Benign (1); Likely benign (1). Last evaluated 2025-12-03.

Conditions:
Hypogonadotropic hypogonadism 2 with or without anosmia (HH2). Also called: HYPOGONADOTROPIC HYPOGONADISM 2 WITHOUT ANOSMIA; HYPOGONADOTROPIC HYPOGONADISM 2 WITH OR WITHOUT ANOSMIA, SUSCEPTIBILITY TO; HYPOGONADOTROPIC HYPOGONADISM 2 WITHOUT ANOSMIA, SUSCEPTIBILITY TO; FGFR1-Related GnRH Deficiency (Kallmann Syndrome 2). Identifiers: Orphanet 478, MedGen C1563720, MONDO:0007844, OMIM 147950. Disease mechanism: loss of function.
Pfeiffer syndrome (ACS5). Also called: ACS V. Identifiers: Orphanet 710, MedGen C0220658, MONDO:0007043, OMIM 101600.

Allele frequency attached by ClinVar (database versions not stated): gnomAD 0.00001; TOPMed 0.00002; gnomAD exomes 0.00005 and 0.00011; ExAC 0.00014.
gnomAD v4.1: 31 of 1,608,012 alleles (0.0019%); highest among the groups gnomAD compares: Admixed American, 0.052%; no homozygotes.

Submissions (2):

Women's Health and Genetics/Laboratory Corporation of America, LabCorp
Classification: Likely benign. Last evaluated: 2025-12-03. Review status: criteria provided, single submitter. Criteria: LabCorp Variant Classification Summary - May 2015. Collection method: clinical testing. Allele origin: germline.
Comment: Variant summary: FGFR1 c.359-7C>T alters a nucleotide located at a position not widely known to affect splicing. Consensus agreement among computation tools predict no significant impact on normal splicing. However, these predictions have yet to be confirmed by functional studies. The variant allele was found at a frequency of 0.00011 in 236242 control chromosomes. This frequency is not significantly higher than estimated for disease-causing variants in FGFR1, allowing no conclusion about variant significance. To our knowledge, no occurrence of c.359-7C>T in individuals affected with FGFR1-related conditions and no experimental evidence demonstrating its impact on protein function have been reported. ClinVar contains an entry for this variant (Variation ID: 695892). Based on the evidence outlined above, the variant was classified as likely benign.

Labcorp Genetics (formerly Invitae), Labcorp
Classification: Benign for Pfeiffer syndrome; Hypogonadotropic hypogonadism 2 with or without anosmia. Last evaluated: 2025-11-15. Review status: criteria provided, single submitter. Criteria: Invitae Variant Classification Sherloc (09022015). Collection method: clinical testing. Allele origin: germline.

NM_023110.3(FGFR1):c.359-7C>T

Gene: FGFR1 (fibroblast growth factor receptor 1; minus strand). Cytogenetic location: 8p11.23.
Variant type: single nucleotide variant.
Coding change: c.359-7C>T on transcript NM_023110.3 (MANE Select); 7 bases into the intron before coding-DNA position 359, C replaced by T.
Molecular consequence: intron variant.
Genome position (GRCh38, 1-based): chr8:38,428,442, G>A on the plus strand (C>T on the coding strand, the complement: FGFR1 is on the minus strand). VCF-style: chr8-38428442-G-A. GRCh37 (hg19) VCF-style: chr8-38285960-G-A.
Other names: c.92-7C>T (NM_001354368.2, NM_001354370.2, NM_023106.3 and 2 more transcripts); c.359-7C>T (NM_001354367.2, NM_015850.4, NM_001174063.2 and 2 more transcripts); c.335-7C>T (NM_001174064.2); c.458-7C>T (NM_001174067.2).
Identifiers: ClinVar variation 695892 (VCV000695892.9), dbSNP rs749216266, ClinGen allele CA4718772.